The following is an entry in ClinVar:

ClinVar aggregate classification (germline): Uncertain significance (1 of 4 stars; one submission).

Conditions:
Chédiak-Higashi syndrome (CHS). Also called: Chediak-Higashi Syndrome. Identifiers: Orphanet 167, MedGen C0007965, MONDO:0008963, OMIM 214500.

Allele frequency attached by ClinVar (database versions not stated): TOPMed below 0.00001.

Submission:

Labcorp Genetics (formerly Invitae), Labcorp
Classification: Uncertain significance for Chédiak-Higashi syndrome. Last evaluated: 2022-01-16. Review status: criteria provided, single submitter. Criteria: Invitae Variant Classification Sherloc (09022015). Collection method: clinical testing. Allele origin: germline.
Comment: In summary, the available evidence is currently insufficient to determine the role of this variant in disease. Therefore, it has been classified as a Variant of Uncertain Significance. Algorithms developed to predict the effect of missense changes on protein structure and function output the following: SIFT: "Tolerated"; PolyPhen-2: "Benign"; Align-GVGD: "Class C0". The cysteine amino acid residue is found in multiple mammalian species, which suggests that this missense change does not adversely affect protein function. This variant has not been reported in the literature in individuals affected with LYST-related conditions. This variant is not present in population databases (gnomAD no frequency). This sequence change replaces tyrosine, which is neutral and polar, with cysteine, which is neutral and slightly polar, at codon 2286 of the LYST protein (p.Tyr2286Cys).

NM_000081.4(LYST):c.6857A>G (p.Tyr2286Cys)

Gene: LYST (lysosomal trafficking regulator; minus strand). Cytogenetic location: 1q42.3.
Variant type: single nucleotide variant.
Coding change: c.6857A>G on transcript NM_000081.4 (MANE Select); coding-DNA position 6857, A replaced by G.
Protein change: p.Tyr2286Cys; replaces tyrosine 2286 with cysteine.
Molecular consequence: missense variant.
Genome position (GRCh38, 1-based): chr1:235,758,996, T>C on the plus strand (A>G on the coding strand, the complement: LYST is on the minus strand). VCF-style: chr1-235758996-T-C. GRCh37 (hg19) VCF-style: chr1-235922296-T-C.
Other names: c.6857A>G, p.Tyr2286Cys (NM_001301365.1); short protein forms Y2286C.
Identifiers: ClinVar variation 2085982 (VCV002085982.4), dbSNP rs1667309697, ClinGen allele CA344938914.
Genomic context (GRCh38, chr1:235,758,996, plus strand): 5'-TAAAGGTGGGAGGAGTGTACAAAAACACATAAGTACCTGTGAGCACTTGCAGTTCGGTTG[T>C]AATTTGGCTCATAACCAAGAGAATAGGCAAAGTTTTCCCAATCATCAGTGTTTCTATCAA-3'
Protein context (NP_000072.2, residues 2276-2296): FAYSLGYEPN[Tyr2286Cys]NRTASAHSVT